The following is an entry in ClinVar:

NM_177438.3(DICER1):c.3805C>G (p.Gln1269Glu)

Gene: DICER1 (dicer 1, ribonuclease III; minus strand). Cytogenetic location: 14q32.13.
Variant type: single nucleotide variant.
Coding change: c.3805C>G on transcript NM_177438.3 (MANE Select); coding-DNA position 3805, C replaced by G.
Protein change: p.Gln1269Glu; replaces glutamine 1269 with glutamic acid.
Molecular consequence: missense variant.
Genome position (GRCh38, 1-based): chr14:95,103,591, G>C on the plus strand (C>G on the coding strand, the complement: DICER1 is on the minus strand). VCF-style: chr14-95103591-G-C. GRCh37 (hg19) VCF-style: chr14-95569928-G-C.
Other names: c.3805C>G, p.Gln1269Glu (NM_001195573.1, NM_001271282.3, NM_001291628.2 and 1 more transcripts); short protein forms Q1269E.
Identifiers: ClinVar variation 824240 (VCV000824240.13), dbSNP rs1277796753, ClinGen allele CA390873411.

ClinVar aggregate classification (germline): Conflicting classifications of pathogenicity. Review status: criteria provided, conflicting classifications (1 of 4 stars). 3 submissions from 3 submitters: Uncertain significance (2); Likely benign (1). Last evaluated 2025-07-30.

Conditions:
Hereditary cancer-predisposing syndrome. Also called: Neoplastic Syndromes, Hereditary; Hereditary Cancer Syndrome; Hereditary neoplastic syndrome; Tumor predisposition. Identifiers: Orphanet 140162, MedGen C0027672, MeSH D009386, MONDO:0015356.
DICER1-related tumor predisposition. Also called: DICER1-related pleuropulmonary blastoma cancer predisposition syndrome; DICER1 syndrome. Identifiers: Orphanet 284343, MedGen C3839822, MONDO:0100216.

Allele frequency attached by ClinVar (database versions not stated): gnomAD exomes below 0.00001; gnomAD 0.00001; TOPMed 0.00001.
gnomAD v4.1: 4 of 1,614,062 alleles (0.00025%); highest among the groups gnomAD compares: African/African-American, 0.004%; no homozygotes.

Submissions (3):

Labcorp Genetics (formerly Invitae), Labcorp
Classification: Uncertain significance for DICER1-related tumor predisposition. Last evaluated: 2025-07-30. Review status: criteria provided, single submitter. Criteria: Invitae Variant Classification Sherloc (09022015). Collection method: clinical testing. Allele origin: germline.
Comment: This sequence change replaces glutamine, which is neutral and polar, with glutamic acid, which is acidic and polar, at codon 1269 of the DICER1 protein (p.Gln1269Glu). This variant is not present in population databases (gnomAD no frequency). This variant has not been reported in the literature in individuals affected with DICER1-related conditions. ClinVar contains an entry for this variant (Variation ID: 824240). Invitae Evidence Modeling of protein sequence and biophysical properties (such as structural, functional, and spatial information, amino acid conservation, physicochemical variation, residue mobility, and thermodynamic stability) indicates that this missense variant is not expected to disrupt DICER1 protein function with a negative predictive value of 95%. In summary, the available evidence is currently insufficient to determine the role of this variant in disease. Therefore, it has been classified as a Variant of Uncertain Significance.

Ambry Genetics
Classification: Likely benign for Hereditary cancer-predisposing syndrome. Last evaluated: 2023-11-13. Review status: criteria provided, single submitter. Criteria: Ambry Variant Classification Scheme 2023. Collection method: clinical testing. Allele origin: germline.

Sema4
Classification: Uncertain significance for Hereditary cancer-predisposing syndrome. Last evaluated: 2021-09-29. Review status: criteria provided, single submitter. Criteria: Sema4 Curation Guidelines. Collection method: curation. Allele origin: germline.
Comment: The DICER1 c.3805C>G (p.Q1269E) variant has not been reported in the literature to our knowledge. It was not observed in the large and broad cohorts of the Genome Aggregation Database (PMID: 32461654). The variant has been reported in ClinVar (Variation ID 824240). In silico tools suggest the impact of the variant on protein function is benign, though these predictions have not been confirmed by functional studies. The evidence is insufficient to meet ACMG/AMP criteria for classifying the variant as benign or pathogenic. Thus, the clinical significance of this variant is currently uncertain.